The following is an entry in ClinVar:

NC_000016.10:g.(?_17108675)_(17470816_?)del

Genes: XYLT1 (xylosyltransferase 1; minus strand), LOC130058564 (ATAC-STARR-seq lymphoblastoid active region 10503; plus strand), LOC130058565 (ATAC-STARR-seq lymphoblastoid active region 10504; plus strand), LOC130058566 (ATAC-STARR-seq lymphoblastoid active region 10505; plus strand), LOC130058567 (ATAC-STARR-seq lymphoblastoid silent region 7235; plus strand) and 12 more. Cytogenetic location: 16p12.3.
Variant type: Deletion.
Identifiers: ClinVar variation 541800 (VCV000541800.1).

ClinVar aggregate classification (germline): Pathogenic (1 of 4 stars; one submission).

Conditions:
Desbuquois dysplasia 1 (DBQD1). Also called: MICROMELIC DWARFISM WITH VERTEBRAL AND METAPHYSEAL ABNORMALITIES AND ADVANCED CARPOTARSAL OSSIFICATION; DESBUQUOIS DYSPLASIA 1, KIM VARIANT. Identifiers: Orphanet 1425, MedGen C4012146, MONDO:0009629, OMIM 251450.

Submission:

Labcorp Genetics (formerly Invitae), Labcorp
Classification: Pathogenic for Desbuquois dysplasia 1. Last evaluated: 2017-08-23. Review status: criteria provided, single submitter. Criteria: Invitae Variant Classification Sherloc (09022015). Collection method: clinical testing. Allele origin: germline.
Comment: A gross deletion of the genomic region encompassing the full coding sequence of the XYLT1 gene has been identified. The boundaries of this event are unknown as the deletion extends beyond the assayed region for this gene and therefore may encompass additional genes. A large deletion encompassing 3.3. Mb and including the XYLT1 gene has been reported in combination with another XYLT1 loss-of-function variant in an individual with a XYLT1-related disease (PMID: 26601923). Loss-of-function variants in XYLT1 are known to be pathogenic (PMID: 24581741, 26601923). For these reasons, this variant has been classified as Pathogenic.

Literature cited by the submitters: PubMed 26601923.